The following is an entry in ClinVar:

NM_003060.4(SLC22A5):c.1286C>T (p.Thr429Ile)

Gene: SLC22A5 (solute carrier family 22 member 5; plus strand). Cytogenetic location: 5q31.1.
Variant type: single nucleotide variant.
Coding change: c.1286C>T on transcript NM_003060.4 (MANE Select); coding-DNA position 1286, C replaced by T.
Protein change: p.Thr429Ile; replaces threonine 429 with isoleucine.
Molecular consequence: missense variant.
Genome position (GRCh38, 1-based): chr5:132,392,451, C>T. VCF-style: chr5-132392451-C-T. GRCh37 (hg19) VCF-style: chr5-131728143-C-T.
Other names: c.1358C>T, p.Thr453Ile (NM_001308122.2); short protein forms T453I, T429I.
Identifiers: ClinVar variation 2153505 (VCV002153505.4), dbSNP rs1752734250, ClinGen allele CA360808348.
Genomic context (GRCh38, chr5:132,392,451, plus strand): 5'-GGGTTGGTACCTACTCCTACCCTCTTTCCTTTGCTTCTCCAGACTTGTATTATTTGGCTA[C>T]AGTCCTGGTGATGGTGGGCAAGTTTGGAGTCACGGCTGCCTTTTCCATGGTCTACGTGTA-3'
Protein context (NP_003051.1, residues 419-439): LVPPDLYYLA[Thr429Ile]VLVMVGKFGV

ClinVar aggregate classification (germline): Uncertain significance (1 of 4 stars; one submission).

Conditions:
Renal carnitine transport defect (CDSP). Also called: Systemic primary carnitine deficiency; CARNITINE DEFICIENCY, SYSTEMIC, DUE TO DEFECT IN RENAL REABSORPTION OF CARNITINE; CARNITINE TRANSPORTER, PLASMA-MEMBRANE, DEFICIENCY OF; CARNITINE UPTAKE DEFECT; Primary carnitine deficiency; Carnitine transporter deficiency. Identifiers: Orphanet 158, MedGen C0342788, MONDO:0008919, OMIM 212140.

Allele frequency attached by ClinVar (database versions not stated): gnomAD exomes below 0.00001; TOPMed below 0.00001.
gnomAD v4.1: 1 of 1,614,220 alleles (0.000062%); highest among the groups gnomAD compares: Non-Finnish European, 0.000085%; no homozygotes.

Submission:

Labcorp Genetics (formerly Invitae), Labcorp
Classification: Uncertain significance for Renal carnitine transport defect. Last evaluated: 2022-10-17. Review status: criteria provided, single submitter. Criteria: Invitae Variant Classification Sherloc (09022015). Collection method: clinical testing. Allele origin: germline.
Comment: In summary, the available evidence is currently insufficient to determine the role of this variant in disease. Therefore, it has been classified as a Variant of Uncertain Significance. Experimental studies have shown that this missense change affects SLC22A5 function (PMID: 14506273). Advanced modeling of protein sequence and biophysical properties (such as structural, functional, and spatial information, amino acid conservation, physicochemical variation, residue mobility, and thermodynamic stability) performed at Invitae indicates that this missense variant is not expected to disrupt SLC22A5 protein function. This variant has not been reported in the literature in individuals affected with SLC22A5-related conditions. This variant is not present in population databases (gnomAD no frequency). This sequence change replaces threonine, which is neutral and polar, with isoleucine, which is neutral and non-polar, at codon 429 of the SLC22A5 protein (p.Thr429Ile).

Literature cited by the submitters: PubMed 14506273.